The following is an entry in ClinVar:

NM_001042750.2(STAG2):c.1328A>G (p.Glu443Gly)

Gene: STAG2 (STAG2 cohesin complex component; plus strand). Cytogenetic location: Xq25.
Variant type: single nucleotide variant.
Coding change: c.1328A>G on transcript NM_001042750.2 (MANE Select); coding-DNA position 1328, A replaced by G.
Protein change: p.Glu443Gly; replaces glutamic acid 443 with glycine.
Molecular consequence: missense variant.
Genome position (GRCh38, 1-based): chrX:124,057,889, A>G. VCF-style: chrX-124057889-A-G. GRCh37 (hg19) VCF-style: chrX-123191739-A-G.
Other names: c.1328A>G, p.Glu443Gly (NM_001042749.2, NM_001042751.2, NM_001282418.2 and 13 more transcripts); short protein forms E443G.
Identifiers: ClinVar variation 3653777 (VCV003653777.2).

ClinVar aggregate classification (germline): Uncertain significance (1 of 4 stars; one submission).

Submission:

Labcorp Genetics (formerly Invitae), Labcorp
Classification: Uncertain significance. Last evaluated: 2024-05-18. Review status: criteria provided, single submitter. Criteria: Invitae Variant Classification Sherloc (09022015). Collection method: clinical testing. Allele origin: germline.
Comment: This sequence change replaces glutamic acid, which is acidic and polar, with glycine, which is neutral and non-polar, at codon 443 of the STAG2 protein (p.Glu443Gly). This variant is not present in population databases (gnomAD no frequency). This variant has not been reported in the literature in individuals affected with STAG2-related conditions. Advanced modeling of protein sequence and biophysical properties (such as structural, functional, and spatial information, amino acid conservation, physicochemical variation, residue mobility, and thermodynamic stability) performed at Invitae indicates that this missense variant is not expected to disrupt STAG2 protein function with a negative predictive value of 80%. In summary, the available evidence is currently insufficient to determine the role of this variant in disease. Therefore, it has been classified as a Variant of Uncertain Significance.